The following is an entry in ClinVar:

NM_001085458.2(CTNND1):c.506C>G (p.Ser169Ter)

Genes: CTNND1 (catenin delta 1; plus strand), TMX2-CTNND1 (TMX2-CTNND1 readthrough (NMD candidate); plus strand). Cytogenetic location: 11q12.1.
Variant type: single nucleotide variant.
Coding change: c.506C>G on transcript NM_001085458.2 (MANE Select); coding-DNA position 506, C replaced by G.
Protein change: p.Ser169Ter; replaces serine 169 with a stop codon.
Molecular consequence: nonsense. On other transcripts: non-coding transcript variant (1).
Genome position (GRCh38, 1-based): chr11:57,796,542, C>G. VCF-style: chr11-57796542-C-G. GRCh37 (hg19) VCF-style: chr11-57564014-C-G.
Other names: NM_001331.3:c.506C>G; c.506C>G, p.Ser169Ter (NM_001085459.2, NM_001085460.2, NM_001085461.2 and 3 more transcripts); c.203C>G, p.Ser68Ter (NM_001085463.2, NM_001085464.2, NM_001085465.2 and 5 more transcripts); c.344C>G, p.Ser115Ter (NM_001206883.2, NM_001206884.2, NM_001206886.2 and 4 more transcripts); short protein forms S115*, S68*, S169*.
Identifiers: ClinVar variation 2412720 (VCV002412720.1), dbSNP rs2497138959, ClinGen allele CA380723964.

ClinVar aggregate classification (germline): Likely pathogenic (1 of 4 stars; one submission).

Conditions:
Blepharocheilodontic syndrome 2 (BCDS2). Identifiers: MedGen C4540127, MONDO:0040503, OMIM 617681.

Submission:

Broad Center for Mendelian Genomics, Broad Institute of MIT and Harvard
Classification: Likely pathogenic for Blepharocheilodontic syndrome 2. Last evaluated: 2023-01-25. Review status: criteria provided, single submitter. Criteria: ACMG Guidelines, 2015. Collection method: curation. Allele origin: germline. Inheritance: Autosomal dominant inheritance.
Comment: Trio exome analysis showed this variant to be de novo. The heterozygous p.Ser169Ter variant in CTNND1 has not been previously reported in individuals with blepharocheilodontic syndrome 2. This variant was absent from large population studies. This nonsense variant leads to a premature termination codon at position 169, which is predicted to lead to a truncated or absent protein. Heterozygous loss of function of the CTNND1 gene is strongly associated to autosomal dominant blepharocheilodontic syndrome 2. In summary, although additional studies are required to fully establish its clinical significance, this variant is likely pathogenic for autosomal dominant blepharocheilodontic syndrome 2. ACMG/AMP Criteria applied: PVS1_Strong, PM2_Supporting, PS2_Supporting (Richards 2015).